The following is an entry in ClinVar:

ClinVar aggregate classification (germline): Benign (0 of 4 stars; one submission).

Conditions:
HACL1-related disorder. Also called: HACL1-related condition.

Submission:

PreventionGenetics, part of Exact Sciences
Classification: Benign for HACL1-related condition. Last evaluated: 2019-07-08. Review status: no assertion criteria provided. Collection method: clinical testing. Allele origin: germline.
Comment: This variant is classified as benign based on ACMG/AMP sequence variant interpretation guidelines (Richards et al. 2015 PMID: 25741868, with internal and published modifications).

NM_012260.4(HACL1):c.994-4dup

Gene: HACL1 (2-hydroxyacyl-CoA lyase 1; minus strand). Cytogenetic location: 3p25.1.
Variant type: Duplication.
Coding change: c.994-4dup on transcript NM_012260.4 (MANE Select); 4 bases into the intron before coding-DNA position 994, one base duplicated (T; older notation c.994-4dupT).
Molecular consequence: intron variant.
Genome position (GRCh38, 1-based): chr3:15,571,773, A duplicated on the plus strand (T on the coding strand, the reverse complement: HACL1 is on the minus strand); the first of 13 consecutive A bases (chr3:15,571,773-15,571,785); duplicating any one gives the same sequence. VCF-style (leftmost placement, unchanged base first): chr3-15571772-T-TA. GRCh37 (hg19) VCF-style: chr3-15613279-T-TA.
Other names: c.913-4dup (NM_001284413.2); c.748-4dup (NM_001284416.2); c.915+1386dup (NM_001284415.2).
Identifiers: ClinVar variation 3055705 (VCV003055705.2), dbSNP rs200924343, ClinGen allele CA2276648.
Genomic context (GRCh38, chr3:15,571,772, plus strand): 5'-TCCACCACTTGCTCTCTGGAGGATACTGCCATGGTGTTTTATCAAGTTCCTCTAAAAGCT[T>TA]AAAAAAAAAAAAACACACACACACAAACACATAAACTTTTTCTTTGCCTTTTTTTTCTTT-3'